The following is an entry in ClinVar:

NM_172245.4(CSF2RA):c.1172A>C (p.Glu391Ala)

Gene: CSF2RA (colony stimulating factor 2 receptor subunit alpha; plus strand). Cytogenetic location: Xp22.33.
Variant type: single nucleotide variant.
Coding change: c.1172A>C on transcript NM_172245.4 (MANE Select); coding-DNA position 1172, A replaced by C.
Protein change: p.Glu391Ala; replaces glutamic acid 391 with alanine.
Molecular consequence: missense variant. On other transcripts: 3 prime UTR variant (5), synonymous variant (1), non-coding transcript variant (1), intron variant (6).
Genome position (GRCh38, 1-based): chrX:1,309,448, A>C. VCF-style: chrX-1309448-A-C. GRCh37 (hg19) VCF-style: chrX-1428341-A-C.
Other names: c.1172A>C, p.Glu391Ala (NM_001161529.2, NM_001379156.1, NM_001379157.1 and 2 more transcripts); c.1274A>C, p.Glu425Ala (NM_001161530.2, NM_001379153.1, NM_001379154.1); c.773A>C, p.Glu258Ala (NM_001161532.2); c.1142A>C, p.Glu381Ala (NM_001379160.1); c.983A>C, p.Glu328Ala (NM_001379166.1); c.*73A>C (NM_001379167.1, NM_001379168.1, NM_001379169.1 and 2 more transcripts); c.993A>C, p.Arg331= (NM_172246.4); c.1125+3921A>C (NM_001379163.1, NM_001379162.1, NM_001379164.1 and 2 more transcripts); and 1 more; short protein forms E258A, E391A, E425A, E328A, E381A.
Identifiers: ClinVar variation 2093584 (VCV002093584.4), dbSNP rs2523183707, ClinGen allele CA412237545.

ClinVar aggregate classification (germline): Uncertain significance (1 of 4 stars; one submission).

Conditions:
Surfactant metabolism dysfunction, pulmonary, 4 (SMDP4). Also called: CSF2RA DEFICIENCY; PAP DUE TO CSF2RA DEFICIENCY; PULMONARY ALVEOLAR PROTEINOSIS, CONGENITAL, 4. Identifiers: Orphanet 264675, MedGen C2677877, MONDO:0010424, OMIM 300770.

Submission:

Labcorp Genetics (formerly Invitae), Labcorp
Classification: Uncertain significance for Surfactant metabolism dysfunction, pulmonary, 4. Last evaluated: 2022-11-01. Review status: criteria provided, single submitter. Criteria: Invitae Variant Classification Sherloc (09022015). Collection method: clinical testing. Allele origin: germline.
Comment: This variant has not been reported in the literature in individuals affected with CSF2RA-related conditions. Algorithms developed to predict the effect of missense changes on protein structure and function are either unavailable or do not agree on the potential impact of this missense change (SIFT: "Deleterious"; PolyPhen-2: "Probably Damaging"; Align-GVGD: "Class C0"). In summary, the available evidence is currently insufficient to determine the role of this variant in disease. Therefore, it has been classified as a Variant of Uncertain Significance. This variant is not present in population databases (gnomAD no frequency). This sequence change replaces glutamic acid, which is acidic and polar, with alanine, which is neutral and non-polar, at codon 391 of the CSF2RA protein (p.Glu391Ala).